The following is an entry in ClinVar:

NM_022436.3(ABCG5):c.1667C>T (p.Pro556Leu)

Genes: DYNC2LI1 (dynein cytoplasmic 2 light intermediate chain 1; plus strand), ABCG5 (ATP binding cassette subfamily G member 5; minus strand). Cytogenetic location: 2p21.
Variant type: single nucleotide variant.
Coding change: c.1667C>T on transcript NM_022436.3 (MANE Select); coding-DNA position 1667, C replaced by T.
Protein change: p.Pro556Leu; replaces proline 556 with leucine.
Molecular consequence: missense variant. On other transcripts: intron variant (2).
Genome position (GRCh38, 1-based): chr2:43,814,572, G>A on the plus strand (C>T on the coding strand, the complement: ABCG5 is on the minus strand). VCF-style: chr2-43814572-G-A. GRCh37 (hg19) VCF-style: chr2-44041711-G-A.
Other names: c.*15+4048G>A (NM_001348913.2, NM_001348912.2); short protein forms P556L.
Identifiers: ClinVar variation 1777587 (VCV001777587.2), dbSNP rs1461975219, ClinGen allele CA346662701.

ClinVar aggregate classification (germline): Uncertain significance (1 of 4 stars; one submission).

Conditions:
Cardiovascular phenotype. Identifiers: MedGen CN230736.

Allele frequency attached by ClinVar (database versions not stated): gnomAD exomes below 0.00001.
gnomAD v4.1: 1 of 1,594,548 alleles (0.000063%); highest among the groups gnomAD compares: East Asian, 0.0022%; no homozygotes.

Submission:

Ambry Genetics
Classification: Uncertain significance for Cardiovascular phenotype. Last evaluated: 2022-03-19. Review status: criteria provided, single submitter. Criteria: Ambry Variant Classification Scheme 2023. Collection method: clinical testing. Allele origin: germline.
Comment: The p.P556L variant (also known as c.1667C>T), located in coding exon 12 of the ABCG5 gene, results from a C to T substitution at nucleotide position 1667. The proline at codon 556 is replaced by leucine, an amino acid with similar properties. This amino acid position is conserved. In addition, the in silico prediction for this alteration is inconclusive. Since supporting evidence is limited at this time, the clinical significance of this alteration remains unclear.